The following is an entry in ClinVar:

NM_000642.3(AGL):c.4124A>G (p.Tyr1375Cys)

Gene: AGL (amylo-alpha-1,6-glucosidase and 4-alpha-glucanotransferase; plus strand). Cytogenetic location: 1p21.2.
Variant type: single nucleotide variant.
Coding change: c.4124A>G on transcript NM_000642.3 (MANE Select); coding-DNA position 4124, A replaced by G.
Protein change: p.Tyr1375Cys; replaces tyrosine 1375 with cysteine.
Molecular consequence: missense variant.
Genome position (GRCh38, 1-based): chr1:99,913,701, A>G. VCF-style: chr1-99913701-A-G. GRCh37 (hg19) VCF-style: chr1-100379257-A-G.
Other names: c.3785A>G, p.Tyr1262Cys (NM_001425329.1); c.3746A>G, p.Tyr1249Cys (NM_001425332.1); c.4124A>G, p.Tyr1375Cys (NM_000028.3, NM_000643.3, NM_000644.3 and 1 more transcripts); c.4076A>G, p.Tyr1359Cys (NM_000646.3); c.4103A>G, p.Tyr1368Cys (NM_001425326.1); c.3923A>G, p.Tyr1308Cys (NM_001425327.1); c.3920A>G, p.Tyr1307Cys (NM_001425328.1); short protein forms Y1375C, Y1359C, Y1249C, Y1262C, Y1307C, Y1308C, Y1368C.
Identifiers: ClinVar variation 281395 (VCV000281395.10), dbSNP rs886042149, ClinGen allele CA10603868.
Genomic context (GRCh38, chr1:99,913,701, plus strand): 5'-TGGTTCACAAACGTGGCATATACAAAGATAGTTATGGAGCTTCAAGTCCTTGGTGTGACT[A>G]TCAGCTCAGGCCTAATTTTACCATAGCAATGGTTGTGGTAGGTGATTCGTTTGTAAAAAC-3'
Protein context (NP_000633.2, residues 1365-1385): SYGASSPWCD[Tyr1375Cys]QLRPNFTIAM

ClinVar aggregate classification (germline): Uncertain significance. Review status: criteria provided, multiple submitters, no conflicts (2 of 4 stars). 3 submissions from 3 submitters: Uncertain significance (3). Last evaluated 2023-04-11.

Conditions:
Glycogen storage disease type III (GSD3). Also called: Cori disease; FORBES DISEASE. Identifiers: Orphanet 366, MedGen C0017922, MONDO:0009291, OMIM 232400.

Allele frequency attached by ClinVar (database versions not stated): gnomAD exomes 0.00001 and 0.00002; TOPMed 0.00002; gnomAD 0.00003.
gnomAD v4.1: 15 of 1,614,016 alleles (0.00093%); highest among the groups gnomAD compares: Admixed American, 0.005%; no homozygotes.

Submissions (3):

Genome-Nilou Lab
Classification: Uncertain significance for Glycogen storage disease type III. Last evaluated: 2023-04-11. Review status: criteria provided, single submitter. Criteria: ACMG Guidelines, 2015. Collection method: clinical testing. Allele origin: germline. Affected: no.

Labcorp Genetics (formerly Invitae), Labcorp
Classification: Uncertain significance for Glycogen storage disease type III. Last evaluated: 2021-08-24. Review status: criteria provided, single submitter. Criteria: Invitae Variant Classification Sherloc (09022015). Collection method: clinical testing. Allele origin: germline.
Comment: This sequence change replaces tyrosine with cysteine at codon 1375 of the AGL protein (p.Tyr1375Cys). The tyrosine residue is highly conserved and there is a large physicochemical difference between tyrosine and cysteine. This variant is not present in population databases (ExAC no frequency). This variant has not been reported in the literature in individuals affected with AGL-related conditions. ClinVar contains an entry for this variant (Variation ID: 281395). Algorithms developed to predict the effect of missense changes on protein structure and function (SIFT, PolyPhen-2, Align-GVGD) all suggest that this variant is likely to be disruptive. In summary, the available evidence is currently insufficient to determine the role of this variant in disease. Therefore, it has been classified as a Variant of Uncertain Significance.

Eurofins Ntd Llc (ga)
Classification: Uncertain significance. Last evaluated: 2015-06-19. Review status: criteria provided, single submitter. Criteria: EGL Classification Definitions 2015. Collection method: clinical testing. Allele origin: germline. Observed: 1 variant allele, 1 heterozygote.